The following is an entry in ClinVar:

NM_015043.4(TBC1D9B):c.2420G>A (p.Arg807Gln)

Gene: TBC1D9B (TBC1 domain family member 9B; minus strand). Cytogenetic location: 5q35.3.
Variant type: single nucleotide variant.
Coding change: c.2420G>A on transcript NM_015043.4 (MANE Select); coding-DNA position 2420, G replaced by A.
Protein change: p.Arg807Gln; replaces arginine 807 with glutamine.
Molecular consequence: missense variant.
Genome position (GRCh38, 1-based): chr5:179,871,526, C>T on the plus strand (G>A on the coding strand, the complement: TBC1D9B is on the minus strand). VCF-style: chr5-179871526-C-T. GRCh37 (hg19) VCF-style: chr5-179298526-C-T.
Other names: NC_000005.9:g.179298526C>T; c.2420G>A, p.Arg807Gln (NM_198868.3); short protein forms R807Q.
Identifiers: ClinVar variation 2656141 (VCV002656141.25), dbSNP rs145113784, ClinGen allele CA3601991.

ClinVar aggregate classification (germline): Benign (1 of 4 stars; one submission).

Allele frequency attached by ClinVar (database versions not stated): 1000 Genomes Project 30x 0.00109; 1000 Genomes Project 0.00120; TOPMed 0.00198; ESP Exome Variant Server 0.00200; gnomAD 0.00252; ExAC 0.00432.

Submissions (19):

CeGaT Center for Human Genetics Tuebingen
Classification: Benign. Last evaluated: 2022-10-01. Review status: criteria provided, single submitter. Criteria: CeGaT Center For Human Genetics Tuebingen Variant Classification Criteria Version 2. Collection method: clinical testing. Allele origin: germline. Affected: yes. Observed: 2 variant alleles.
Comment: TBC1D9B: BS1, BS2

Dr. Peter K. Rogan Lab, Western University
No classification provided (evidence only). Condition: Lung cancer. Review status: no classification provided. Collection method: in vitro. Allele origin: not applicable. Functional consequence: retained intron. Not counted in ClinVar's aggregate classification.

Dr. Peter K. Rogan Lab, Western University
No classification provided (evidence only). Condition: Lung cancer. Review status: no classification provided. Collection method: in vitro. Allele origin: not applicable. Functional consequence: retained intron. Not counted in ClinVar's aggregate classification.

Dr. Peter K. Rogan Lab, Western University
No classification provided (evidence only). Condition: Lung cancer. Review status: no classification provided. Collection method: in vitro. Allele origin: not applicable. Functional consequence: retained intron. Not counted in ClinVar's aggregate classification.

Dr. Peter K. Rogan Lab, Western University
No classification provided (evidence only). Condition: Melanoma. Review status: no classification provided. Collection method: in vitro. Allele origin: not applicable. Functional consequence: retained intron. Not counted in ClinVar's aggregate classification.

Dr. Peter K. Rogan Lab, Western University
No classification provided (evidence only). Condition: Melanoma. Review status: no classification provided. Collection method: in vitro. Allele origin: not applicable. Functional consequence: retained intron. Not counted in ClinVar's aggregate classification.

Dr. Peter K. Rogan Lab, Western University
No classification provided (evidence only). Condition: Familial cancer of breast. Review status: no classification provided. Collection method: in vitro. Allele origin: not applicable. Functional consequence: retained intron. Not counted in ClinVar's aggregate classification.

Dr. Peter K. Rogan Lab, Western University
No classification provided (evidence only). Condition: Familial cancer of breast. Review status: no classification provided. Collection method: in vitro. Allele origin: not applicable. Functional consequence: retained intron. Not counted in ClinVar's aggregate classification.

Dr. Peter K. Rogan Lab, Western University
No classification provided (evidence only). Condition: Familial cancer of breast. Review status: no classification provided. Collection method: in vitro. Allele origin: not applicable. Functional consequence: retained intron. Not counted in ClinVar's aggregate classification.

Dr. Peter K. Rogan Lab, Western University
No classification provided (evidence only). Condition: Familial cancer of breast. Review status: no classification provided. Collection method: in vitro. Allele origin: not applicable. Functional consequence: retained intron. Not counted in ClinVar's aggregate classification.

Dr. Peter K. Rogan Lab, Western University
No classification provided (evidence only). Condition: Acute myeloid leukemia. Review status: no classification provided. Collection method: in vitro. Allele origin: not applicable. Functional consequence: retained intron. Not counted in ClinVar's aggregate classification.

Dr. Peter K. Rogan Lab, Western University
No classification provided (evidence only). Condition: Colon adenocarcinoma. Review status: no classification provided. Collection method: in vitro. Allele origin: not applicable. Functional consequence: retained intron. Not counted in ClinVar's aggregate classification.

Dr. Peter K. Rogan Lab, Western University
No classification provided (evidence only). Condition: Colon adenocarcinoma. Review status: no classification provided. Collection method: in vitro. Allele origin: not applicable. Functional consequence: retained intron. Not counted in ClinVar's aggregate classification.

Dr. Peter K. Rogan Lab, Western University
No classification provided (evidence only). Condition: Sarcoma. Review status: no classification provided. Collection method: in vitro. Allele origin: not applicable. Functional consequence: retained intron. Not counted in ClinVar's aggregate classification.

Dr. Peter K. Rogan Lab, Western University
No classification provided (evidence only). Condition: Hepatocellular carcinoma. Review status: no classification provided. Collection method: in vitro. Allele origin: not applicable. Functional consequence: retained intron. Not counted in ClinVar's aggregate classification.

Dr. Peter K. Rogan Lab, Western University
No classification provided (evidence only). Condition: Ovarian serous cystadenocarcinoma. Review status: no classification provided. Collection method: in vitro. Allele origin: not applicable. Functional consequence: retained intron. Not counted in ClinVar's aggregate classification.

Dr. Peter K. Rogan Lab, Western University
No classification provided (evidence only). Condition: Adrenocortical carcinoma, hereditary. Review status: no classification provided. Collection method: in vitro. Allele origin: not applicable. Functional consequence: retained intron. Not counted in ClinVar's aggregate classification.

Dr. Peter K. Rogan Lab, Western University
No classification provided (evidence only). Condition: Uterine carcinosarcoma. Review status: no classification provided. Collection method: in vitro. Allele origin: not applicable. Functional consequence: retained intron. Not counted in ClinVar's aggregate classification.

Dr. Peter K. Rogan Lab, Western University
No classification provided (evidence only). Condition: Malignant tumor of esophagus. Review status: no classification provided. Collection method: in vitro. Allele origin: not applicable. Functional consequence: retained intron. Not counted in ClinVar's aggregate classification.